The following is an entry in ClinVar:

NM_000089.4(COL1A2):c.893G>T (p.Gly298Val)

Gene: COL1A2 (collagen type I alpha 2 chain; plus strand). Cytogenetic location: 7q21.3.
Variant type: single nucleotide variant.
Coding change: c.893G>T on transcript NM_000089.4 (MANE Select); coding-DNA position 893, G replaced by T.
Protein change: p.Gly298Val; replaces glycine 298 with valine.
Molecular consequence: missense variant.
Genome position (GRCh38, 1-based): chr7:94,409,565, G>T. VCF-style: chr7-94409565-G-T. GRCh37 (hg19) VCF-style: chr7-94038877-G-T.
Other names: short protein forms G298V.
Identifiers: ClinVar variation 2950227 (VCV002950227.3), dbSNP rs2484707979, ClinGen allele CA368220731.
Genomic context (GRCh38, chr7:94,409,565, plus strand): 5'-AAAGAAGAACCGAAATATTCCAATTAACTGATATCCTTCTCCTTTCCTTTTCCTCATAGG[G>T]TAATCCTGGAGCAAACGGCCTTACTGGTGCCAAGGGTGCTGCTGTGAGTATACCTGCGTA-3'
Protein context (NP_000080.2, residues 288-308): PGLSGPVGPP[Gly298Val]NPGANGLTGA

ClinVar aggregate classification (germline): Pathogenic (1 of 4 stars; one submission).

Conditions:
Osteogenesis imperfecta type I (OI1). Also called: Lobstein disease; OI, TYPE I; OSTEOGENESIS IMPERFECTA TARDA; OSTEOGENESIS IMPERFECTA WITH BLUE SCLERAE; Osteogenesis imperfecta type 1; Lobstein's Disease. Identifiers: Orphanet 216796, Orphanet 666, MedGen C0023931, MONDO:0008146, OMIM 166200. Disease mechanism: loss of function.
Ehlers-Danlos syndrome, classic type, 1 (EDSCL1). Also called: EDS I; EHLERS-DANLOS SYNDROME, GRAVIS TYPE; EHLERS-DANLOS SYNDROME, SEVERE CLASSIC TYPE; Ehlers-Danlos syndrome, type 1; Ehlers-Danlos Syndrome, Classic Type, COL5A1-Related. Identifiers: MedGen C0268335, MONDO:0019567, OMIM 130000.

Submission:

Labcorp Genetics (formerly Invitae), Labcorp
Classification: Pathogenic for Osteogenesis imperfecta type I; Ehlers-Danlos syndrome, classic type, 1. Last evaluated: 2023-07-25. Review status: criteria provided, single submitter. Criteria: Invitae Variant Classification Sherloc (09022015). Collection method: clinical testing. Allele origin: germline.
Comment: This sequence change replaces glycine, which is neutral and non-polar, with valine, which is neutral and non-polar, at codon 298 of the COL1A2 protein (p.Gly298Val). This variant is not present in population databases (gnomAD no frequency). For these reasons, this variant has been classified as Pathogenic. This variant disrupts the p.Gly298 amino acid residue in COL1A2. Other variant(s) that disrupt this residue have been observed in individuals with COL1A2-related conditions (PMID: 11317364, 27519266, 31737030), which suggests that this may be a clinically significant amino acid residue. This variant disrupts the triple helix domain of COL1A2. Glycine residues within the Gly-Xaa-Yaa repeats of the triple helix domain are required for the structure and stability of fibrillar collagens (PMID: 7695699, 8218237, 19344236). In COL1A2, variants affecting these glycine residues are significantly enriched in individuals with disease (PMID: 9016532, 17078022) compared to the general population (ExAC). Experimental studies and prediction algorithms are not available or were not evaluated, and the functional significance of this variant is currently unknown. This missense change has been observed in individual(s) with autosomal dominant osteogenesis imperfecta (Invitae).

Literature cited by the submitters: PubMed 11317364; PubMed 27519266; PubMed 31737030; PubMed 7695699; PubMed 8218237; PubMed 19344236; PubMed 9016532; PubMed 17078022.